The following is an entry in ClinVar:

ClinVar aggregate classification (germline): Uncertain significance (1 of 4 stars; one submission).

Allele frequency attached by ClinVar (database versions not stated): gnomAD 0.00001; gnomAD exomes 0.00001; ExAC 0.00002; TOPMed 0.00002; ESP Exome Variant Server 0.00008.
gnomAD v4.1: 6 of 1,613,906 alleles (0.00037%); highest among the groups gnomAD compares: Middle Eastern, 0.016%; no homozygotes.

Submission:

Women's Health and Genetics/Laboratory Corporation of America, LabCorp
Classification: Uncertain significance. Last evaluated: 2023-12-20. Review status: criteria provided, single submitter. Criteria: LabCorp Variant Classification Summary - May 2015. Collection method: clinical testing. Allele origin: germline.
Comment: Variant summary: FXYD2 c.185A>G (p.Asn62Ser) results in a conservative amino acid change in the encoded protein sequence. Four of five in-silico tools predict a benign effect of the variant on protein function. The variant allele was found at a frequency of 8e-06 in 251064 control chromosomes (gnomAD). The available data on variant occurrences in the general population are insufficient to allow any conclusion about variant significance. To our knowledge, no occurrence of c.185A>G in individuals affected with Renal Hypomagnesemia 2 and no experimental evidence demonstrating its impact on protein function have been reported. No submitters have cited clinical-significance assessments for this variant to ClinVar after 2014. Based on the evidence outlined above, the variant was classified as uncertain significance.

NM_001680.5(FXYD2):c.185A>G (p.Asn62Ser)

Genes: FXYD2 (FXYD domain containing ion transport regulator 2; minus strand), FXYD6-FXYD2 (FXYD6-FXYD2 readthrough; minus strand). Cytogenetic location: 11q23.3.
Variant type: single nucleotide variant.
Coding change: c.185A>G on transcript NM_001680.5 (MANE Select); coding-DNA position 185, A replaced by G.
Protein change: p.Asn62Ser; replaces asparagine 62 with serine.
Molecular consequence: missense variant. On other transcripts: 3 prime UTR variant (1).
Genome position (GRCh38, 1-based): chr11:117,820,688, T>C on the plus strand (A>G on the coding strand, the complement: FXYD2 is on the minus strand). VCF-style: chr11-117820688-T-C. GRCh37 (hg19) VCF-style: chr11-117691403-T-C.
Other names: c.419A>G, p.Asn140Ser (NM_001204268.3); c.*18A>G (NM_001243598.4); c.179A>G, p.Asn60Ser (NM_021603.4); short protein forms N140S, N60S, N62S.
Identifiers: ClinVar variation 2691353 (VCV002691353.1), dbSNP rs371615390, ClinGen allele CA6297755.